The following continues an entry in ClinVar:

NM_000059.4(BRCA2):c.5096A>G (p.Asp1699Gly)

Gene: BRCA2. ClinVar aggregate classification (germline): Conflicting classifications of pathogenicity. Uncertain significance (12); Likely benign (2).

Submissions 9 to 17 of 17:

Color Diagnostics, LLC DBA Color Health
Classification: Uncertain significance for Hereditary cancer-predisposing syndrome. Last evaluated: 2024-07-17. Review status: criteria provided, single submitter. Criteria: ACMG Guidelines, 2015. Collection method: clinical testing. Allele origin: germline.
Comment: This missense variant replaces aspartic acid with glycine at codon 1699 of the BRCA2 protein. Computational prediction suggests that this variant may not impact protein structure and function. To our knowledge, functional studies have not been reported for this variant. This variant has been reported in four individuals affected with breast cancer (PMID: 23192404, 27741520, 31780696; Leiden Open Variation Database DB-ID BRCA2_005779), and individuals with a personal or family history of BRCA2-related cancer (PMID: 36329109, 36977404). However, this variant is also located in a BRCA2 region without other clinically significant missense variants (PMID: 31911673). This variant has been identified in 5/228402 chromosomes in the general population by the Genome Aggregation Database (gnomAD). The available evidence is insufficient to determine the role of this variant in disease conclusively. Therefore, this variant is classified as a Variant of Uncertain Significance.

St. Jude Molecular Pathology, St. Jude Children's Research Hospital
Classification: Uncertain significance for Breast-ovarian cancer, familial, susceptibility to, 2. Last evaluated: 2024-06-23. Review status: criteria provided, single submitter. Criteria: St. Jude Assertion Criteria 2020. Collection method: clinical testing. Allele origin: germline.
Comment: The BRCA2 c.5096A>G (p.Asp1699Gly) missense change has a maximum subpopulation frequency of 0.0070% in gnomAD v2.1.1. The in silico tool BayesDel predicts a benign effect on protein function, but to our knowledge this prediction has not been confirmed by functional studies. This variant has been reported in an individual with breast and/or ovarian cancer (PMID: 23192404, 27223485, 31780696, 36977404). To our knowledge, this variant has not been reported in individuals with Fanconi anemia. In summary, the evidence currently available is insufficient to determine the clinical significance of this variant. It has therefore been classified as of uncertain significance.

University of Washington Department of Laboratory Medicine, University of Washington
Classification: Likely benign for Hereditary cancer-predisposing syndrome. Last evaluated: 2023-03-23. Review status: criteria provided, single submitter. Criteria: Dines et al. (Genet Med. 2020). Collection method: curation. Allele origin: germline.
Comment: Missense variant in a coldspot region where missense variants are very unlikely to be pathogenic (PMID:31911673).

BRCA2 exon 11 coldspot. Reclassification based on statistical prior probability.

Genetics Program, Instituto Nacional de Cancer
Classification: Uncertain significance for Hereditary breast ovarian cancer syndrome. Last evaluated: 2021-11-01. Review status: criteria provided, single submitter. Criteria: ACMG Guidelines, 2015. Collection method: research. Allele origin: germline. Affected: yes.

Mendelics
Classification: Uncertain significance for Breast-ovarian cancer, familial, susceptibility to, 2. Last evaluated: 2019-05-28. Review status: criteria provided, single submitter. Criteria: Mendelics Assertion Criteria 2017. Collection method: clinical testing. Allele origin: unknown.

Eurofins Ntd Llc (ga)
Classification: Uncertain significance. Last evaluated: 2015-03-26. Review status: criteria provided, single submitter. Criteria: EGL Classification Definitions 2015. Collection method: clinical testing. Allele origin: germline. Observed: 1 variant allele, 1 heterozygote.

Counsyl
Classification: Uncertain significance for Breast-ovarian cancer, familial, susceptibility to, 2. Last evaluated: 2017-06-16. Review status: no assertion criteria provided. Collection method: clinical testing. Allele origin: unknown. Not counted in ClinVar's aggregate classification.

Breast Cancer Information Core (BIC) (BRCA2)
Classification: Uncertain significance for Breast-ovarian cancer, familial 2. Last evaluated: 2003-12-23. Review status: no assertion criteria provided. Collection method: clinical testing. Allele origin: germline. Affected: yes. Observed: 1 variant allele. Not counted in ClinVar's aggregate classification.

Department of Pathology and Laboratory Medicine, Sinai Health System
Classification: Uncertain significance. Review status: no assertion criteria provided. Collection method: clinical testing. Allele origin: unknown. Affected: yes. Observed: 1 variant allele. Study: The Canadian Open Genetics Repository (COGR). Not counted in ClinVar's aggregate classification.

Literature cited by the submitters: PubMed 23192404 (cited by 6 submitters); PubMed 19912264 (cited by Women's Health and Genetics/Laboratory Corporation of America, LabCorp); PubMed 26689913 (cited by Women's Health and Genetics/Laboratory Corporation of America, LabCorp and Quest Diagnostics Nichols Institute San Juan Capistrano); PubMed 27741520 (cited by 5 submitters); PubMed 27223485 (cited by 5 submitters); PubMed 31780696 (cited by 6 submitters); PubMed 34884835 (cited by Women's Health and Genetics/Laboratory Corporation of America, LabCorp and Quest Diagnostics Nichols Institute San Juan Capistrano); PubMed 39208653 (cited by Women's Health and Genetics/Laboratory Corporation of America, LabCorp); PubMed 36881271 (cited by Quest Diagnostics Nichols Institute San Juan Capistrano); PubMed 31911673 (cited by 3 submitters); PubMed 35264596 (cited by Quest Diagnostics Nichols Institute San Juan Capistrano and Ambry Genetics); PubMed 35980532 (cited by Quest Diagnostics Nichols Institute San Juan Capistrano); PubMed 36977404 (cited by 4 submitters); PubMed 36329109 (cited by 4 submitters); PubMed 29907814 (cited by Ambry Genetics).